The following is an entry in ClinVar:

NM_001290060.2(SEMA3B):c.1773G>C (p.Glu591Asp)

Gene: SEMA3B (semaphorin 3B; plus strand). Cytogenetic location: 3p21.31.
Variant type: single nucleotide variant.
Coding change: c.1773G>C on transcript NM_001290060.2 (MANE Select); coding-DNA position 1773, G replaced by C.
Protein change: p.Glu591Asp; replaces glutamic acid 591 with aspartic acid.
Molecular consequence: missense variant. On other transcripts: non-coding transcript variant (1).
Genome position (GRCh38, 1-based): chr3:50,275,772, G>C. VCF-style: chr3-50275772-G-C. GRCh37 (hg19) VCF-style: chr3-50313203-G-C.
Other names: c.1770G>C, p.Glu590Asp (NM_001005914.3, NM_001435957.1, NM_001435958.1); c.1788G>C, p.Glu596Asp (NM_001290061.1); c.744G>C, p.Glu248Asp (NM_001290062.2, NM_001290063.2); c.1773G>C, p.Glu591Asp (NM_001435956.1, NM_004636.4); short protein forms E590D, E248D, E591D, E596D.
Identifiers: ClinVar variation 4986301 (VCV004986301.1).

ClinVar aggregate classification (germline): Uncertain significance (1 of 4 stars; one submission).

Conditions:
SEMA3B-related disorder. Also called: SEMA3B-related condition.

gnomAD v4.1: 3 of 1,613,010 alleles (0.00019%); highest among the groups gnomAD compares: Admixed American, 0.0017%; no homozygotes.

Submission:

PreventionGenetics, part of Exact Sciences
Classification: Uncertain significance for SEMA3B-related condition. Last evaluated: 2026-03-11. Review status: criteria provided, single submitter. Criteria: ACMG Guidelines, 2015. Collection method: clinical testing. Allele origin: germline.
Comment: The SEMA3B c.1788G>C variant is predicted to result in the amino acid substitution p.Glu596Asp. This variant is also referred as NM_004636.3:c.1772G>C, p.Ser591Thr. To our knowledge, this variant has not been reported in the literature. This variant is reported in 0.0029% of alleles in individuals of Latino descent in gnomAD. At this time, the clinical significance of this variant is uncertain due to the absence of conclusive functional and genetic evidence.